The following is an entry in ClinVar:

NM_001039464.4(MROH7):c.594A>G (p.Ser198=)

Genes: MROH7 (maestro heat like repeat family member 7; plus strand), MROH7-TTC4 (MROH7-TTC4 readthrough (NMD candidate); plus strand). Cytogenetic location: 1p32.3.
Variant type: single nucleotide variant.
Coding change: c.594A>G on transcript NM_001039464.4 (MANE Select); coding-DNA position 594, A replaced by G.
Protein change: p.Ser198=; no amino-acid change (serine 198 retained).
Molecular consequence: synonymous variant. On other transcripts: non-coding transcript variant (5), intron variant (1).
Genome position (GRCh38, 1-based): chr1:54,653,520, A>G. VCF-style: chr1-54653520-A-G. GRCh37 (hg19) VCF-style: chr1-55119193-A-G.
Other names: c.-214+11552A>G (NM_001291332.2).
Identifiers: ClinVar variation 2638831 (VCV002638831.24), dbSNP rs41297847, ClinGen allele CA867608.

ClinVar aggregate classification (germline): Likely benign (1 of 4 stars; one submission).

Allele frequency attached by ClinVar (database versions not stated): 1000 Genomes Project 0.00120; 1000 Genomes Project 30x 0.00125; ESP Exome Variant Server 0.00164; gnomAD 0.00194; TOPMed 0.00202; ExAC 0.00211.
gnomAD v4.1: 3,573 of 1,614,156 alleles (0.22%); highest among the groups gnomAD compares: Admixed American, 0.28%; 9 homozygotes.

Submission:

CeGaT Center for Human Genetics Tuebingen
Classification: Likely benign. Last evaluated: 2022-10-01. Review status: criteria provided, single submitter. Criteria: CeGaT Center For Human Genetics Tuebingen Variant Classification Criteria Version 2. Collection method: clinical testing. Allele origin: germline. Affected: yes. Observed: 1 variant allele.
Comment: MROH7: BP4, BP7